The following is an entry in ClinVar:

ClinVar aggregate classification (germline): Uncertain significance (1 of 4 stars; one submission).

Submission:

Mayo Clinic Laboratories, Mayo Clinic
Classification: Uncertain significance. Last evaluated: 2024-04-12. Review status: criteria provided, single submitter. Criteria: ACMG Guidelines, 2015. Collection method: clinical testing. Allele origin: germline. Observed: 1 variant allele.
Comment: PM2

NM_001374736.1(DST):c.364C>G (p.Arg122Gly)

Gene: DST (dystonin; minus strand). Cytogenetic location: 6p12.1.
Variant type: single nucleotide variant.
Coding change: c.364C>G on transcript NM_001374736.1 (MANE Select); coding-DNA position 364, C replaced by G.
Protein change: p.Arg122Gly; replaces arginine 122 with glycine.
Molecular consequence: missense variant.
Genome position (GRCh38, 1-based): chr6:56,900,474, G>C on the plus strand (C>G on the coding strand, the complement: DST is on the minus strand). VCF-style: chr6-56900474-G-C. GRCh37 (hg19) VCF-style: chr6-56765272-G-C.
Other names: p.Arg122Gly; c.364C>G, p.Arg122Gly (NM_001144769.5, NM_001374722.1); c.391C>G, p.Arg131Gly (NM_001374734.1); short protein forms R122G, R131G.
Identifiers: ClinVar variation 3379694 (VCV003379694.1).